The following is an entry in ClinVar:

NM_020198.3(CCDC47):c.669+5G>T

Gene: CCDC47 (coiled-coil domain containing 47; minus strand). Cytogenetic location: 17q23.3.
Variant type: single nucleotide variant.
Coding change: c.669+5G>T on transcript NM_020198.3 (MANE Select); 5 bases into the intron after coding-DNA position 669, G replaced by T.
Molecular consequence: intron variant.
Genome position (GRCh38, 1-based): chr17:63,761,225, C>A on the plus strand (G>T on the coding strand, the complement: CCDC47 is on the minus strand). VCF-style: chr17-63761225-C-A. GRCh37 (hg19) VCF-style: chr17-61838585-C-A.
Identifiers: ClinVar variation 1526209 (VCV001526209.1), dbSNP rs2144488811, ClinGen allele CA2573154456.

ClinVar aggregate classification (germline): Uncertain significance (1 of 4 stars; one submission).

Conditions:
Trichohepatoneurodevelopmental syndrome (THNS). Identifiers: MedGen C4748898, MONDO:0032645, OMIM 618268.

Submission:

3billion
Classification: Uncertain significance for Trichohepatoneurodevelopmental syndrome. Last evaluated: 2022-03-22. Review status: criteria provided, single submitter. Criteria: ACMG Guidelines, 2015. Collection method: clinical testing. Allele origin: germline. Affected: yes. Observed: 1 heterozygote.
Comment: The variant is not observed in the gnomAD v2.1.1 dataset. Therefore, this variant is classified as uncertain significance according to the recommendation of ACMG/AMP guideline.